The following is an entry in ClinVar:

NM_198253.3(TERT):c.2097C>T (p.Ala699=)

Gene: TERT (telomerase reverse transcriptase; minus strand). Cytogenetic location: 5p15.33.
Variant type: single nucleotide variant.
Coding change: c.2097C>T on transcript NM_198253.3 (MANE Select); coding-DNA position 2097, C replaced by T.
Protein change: p.Ala699=; no amino-acid change (alanine 699 retained).
Molecular consequence: synonymous variant. On other transcripts: non-coding transcript variant (2).
Genome position (GRCh38, 1-based): chr5:1,279,324, G>A on the plus strand (C>T on the coding strand, the complement: TERT is on the minus strand). VCF-style: chr5-1279324-G-A. GRCh37 (hg19) VCF-style: chr5-1279439-G-A.
Other names: p.Ala699=; c.2097C>T, p.Ala699= (NM_001193376.3).
Identifiers: ClinVar variation 39107 (VCV000039107.42), dbSNP rs33963617, ClinGen allele CA343434.

ClinVar aggregate classification (germline): Benign. Review status: criteria provided, multiple submitters, no conflicts (2 of 4 stars). 19 submissions from 16 submitters: Benign (14). 5 of the submissions do not count toward it. Last evaluated 2026-02-04.

Conditions:
Dyskeratosis congenita, autosomal dominant 2. Identifiers: MedGen C3151443, MONDO:0013521, OMIM 613989.
Idiopathic Pulmonary Fibrosis. Also called: Idiopathic fibrosing alveolitis, chronic form; idiopathic fibrosing alveolitis. Identifiers: Orphanet 2032, MedGen C1800706, MeSH D054990, MONDO:0800504.
Melanoma, cutaneous malignant, susceptibility to, 9. Also called: Cutaneous malignant melanoma 9. Identifiers: Orphanet 618, MedGen C3554574, MONDO:0014056, OMIM 615134.
Pulmonary fibrosis and/or bone marrow failure, Telomere-related, 1. Also called: PULMONARY FIBROSIS AND/OR BONE MARROW FAILURE SYNDROME, TELOMERE-RELATED, 1. Identifiers: Orphanet 88, MedGen C3553617, MONDO:0013878, OMIM 614742.
Dyskeratosis congenita. Identifiers: Orphanet 1775, MedGen C0265965, MONDO:0015780.
Acute myeloid leukemia (AML). Also called: Acute myeloid leukemia, adult; AML adult; Acute non-lymphocytic leukemia; Acute granulocytic leukemia; Leukemia, acute myeloid, somatic; Leukemia, acute myelogenous, somatic. Identifiers: Orphanet 519, MedGen C0023467, MeSH D015470, MONDO:0018874, OMIM 601626, HP:0004808. Disease mechanism: Constitutively activated FLT3.
Aplastic anemia. Identifiers: Orphanet 182040, Orphanet 88, MedGen C0002874, MONDO:0015909, OMIM 609135, HP:0001915.
Dyskeratosis congenita, autosomal dominant 1 (DKCA1). Also called: Dyskeratosis congenita Scoggins type. Identifiers: Orphanet 1775, MedGen C4551974, MONDO:0007485, OMIM 127550. Inheritance: Variable.

Allele frequency attached by ClinVar (database versions not stated): gnomAD 0.00792 and 0.00739; ExAC 0.02720; TOPMed 0.00772; 1000 Genomes Project 30x 0.01827; 1000 Genomes Project 0.02057; ESP Exome Variant Server 0.00584; gnomAD exomes 0.00903 and 0.01141.
gnomAD v4.1: 14,255 of 1,585,702 alleles (0.9%); highest among the groups gnomAD compares: East Asian, 5.1%; 169 homozygotes.

Submissions (19):

Labcorp Genetics (formerly Invitae), Labcorp
Classification: Benign for Dyskeratosis congenita, autosomal dominant 2; Idiopathic Pulmonary Fibrosis. Last evaluated: 2026-02-04. Review status: criteria provided, single submitter. Criteria: Invitae Variant Classification Sherloc (09022015). Collection method: clinical testing. Allele origin: germline.

ARUP Laboratories, Molecular Genetics and Genomics, ARUP Laboratories
Classification: Benign. Last evaluated: 2025-07-28. Review status: criteria provided, single submitter. Criteria: ARUP Molecular Germline Variant Investigation Process 2024. Collection method: clinical testing. Allele origin: germline.

KCCC/NGS Laboratory, Kuwait Cancer Control Center
Classification: Benign for Melanoma, cutaneous malignant, susceptibility to, 9. Last evaluated: 2025-02-01. Review status: criteria provided, single submitter. Criteria: ACMG Guidelines, 2015. Collection method: clinical testing. Allele origin: germline. Affected: no.

Blueprint Genetics
Classification: Benign. Last evaluated: 2024-11-26. Review status: criteria provided, single submitter. Criteria: ACMG Guidelines, 2015. Collection method: clinical testing. Allele origin: germline.

KCCC/NGS Laboratory, Kuwait Cancer Control Center
Classification: Benign for Acute myeloid leukemia. Last evaluated: 2023-07-07. Review status: criteria provided, single submitter. Criteria: ACMG Guidelines, 2015. Collection method: clinical testing. Allele origin: germline. Affected: yes.

Mayo Clinic Laboratories, Mayo Clinic
Classification: Benign. Last evaluated: 2020-01-22. Review status: criteria provided, single submitter. Criteria: ACMG Guidelines, 2015. Collection method: clinical testing. Allele origin: germline. Observed: 6 variant alleles.

Illumina Laboratory Services, Illumina
Classification: Benign for Dyskeratosis congenita, autosomal dominant 2. Last evaluated: 2018-01-12. Review status: criteria provided, single submitter. Criteria: ICSL Variant Classification Criteria 13 December 2019. Collection method: clinical testing. Allele origin: germline.
Comment: This variant was observed in the ICSL laboratory as part of a predisposition screen in an ostensibly healthy population. It had not been previously curated by ICSL or reported in the Human Gene Mutation Database (HGMD: prior to June 1st, 2018), and was therefore a candidate for classification through an automated scoring system. Utilizing variant allele frequency, disease prevalence and penetrance estimates, and inheritance mode, an automated score was calculated to assess if this variant is too frequent to cause the disease. Based on the score and internal cut-off values, a variant classified as benign is not then subjected to further curation. The score for this variant resulted in a classification of benign for this disease.

Illumina Laboratory Services, Illumina
Classification: Benign for Pulmonary fibrosis and/or bone marrow failure, Telomere-related, 1. Last evaluated: 2018-01-12. Review status: criteria provided, single submitter. Criteria: ICSL Variant Classification Criteria 13 December 2019. Collection method: clinical testing. Allele origin: germline.
Comment: the same text as in the submission from Illumina Laboratory Services, Illumina above.

Illumina Laboratory Services, Illumina
Classification: Benign for Aplastic anemia. Last evaluated: 2018-01-12. Review status: criteria provided, single submitter. Criteria: ICSL Variant Classification Criteria 13 December 2019. Collection method: clinical testing. Allele origin: germline.
Comment: the same text as in the submission from Illumina Laboratory Services, Illumina above.

Ambry Genetics
Classification: Benign for Dyskeratosis congenita. Last evaluated: 2017-02-07. Review status: criteria provided, single submitter. Criteria: Ambry Variant Classification Scheme 2023. Collection method: clinical testing. Allele origin: germline.

GeneDx
Classification: Benign. Last evaluated: 2015-03-03. Review status: criteria provided, single submitter. Criteria: GeneDx Variant Classification Process June 2021. Collection method: clinical testing. Allele origin: germline. Affected: yes.

Laboratory for Molecular Medicine, Mass General Brigham Personalized Medicine
Classification: Benign. Last evaluated: 2013-02-21. Review status: criteria provided, single submitter. Criteria: LMM Criteria. Collection method: clinical testing. Allele origin: germline. Observed: 3 variant alleles.
Comment: Ala699Ala in exon 5 of TERT: This variant is not expected to have clinical signi ficance because it does not alter an amino acid residue and is not located withi n the splice consensus sequence. It has been identified in 0.8% (65/8514) of Eur opean American chromosomes from a broad population by the NHLBI Exome Sequencing Project (dbSNP rs33963617).

Breakthrough Genomics
Classification: Benign. Review status: criteria provided, single submitter. Criteria: ACMG Guidelines, 2015. Collection method: not provided. Allele origin: germline. Inheritance: Autosomal dominant inheritance. Affected: yes.

PreventionGenetics, part of Exact Sciences
Classification: Benign. Review status: criteria provided, single submitter. Criteria: ACMG Guidelines, 2015. Collection method: clinical testing. Allele origin: germline.

Clinical Genetics DNA and cytogenetics Diagnostics Lab, Erasmus MC, Erasmus Medical Center
Classification: Benign. Review status: no assertion criteria provided. Collection method: clinical testing. Allele origin: germline. Affected: yes. Study: VKGL Data-share Consensus. Not counted in ClinVar's aggregate classification.

GeneReviews
No classification provided. Condition: Dyskeratosis congenita, autosomal dominant 1. Review status: no classification provided. Collection method: literature only. Allele origin: unknown. Not counted in ClinVar's aggregate classification.

Genome Diagnostics Laboratory, Amsterdam University Medical Center
Classification: Benign. Review status: no assertion criteria provided. Collection method: clinical testing. Allele origin: germline. Affected: yes. Study: VKGL Data-share Consensus. Not counted in ClinVar's aggregate classification.

Joint Genome Diagnostic Labs from Nijmegen and Maastricht, Radboudumc and MUMC+
Classification: Benign. Review status: no assertion criteria provided. Collection method: clinical testing. Allele origin: germline. Affected: yes. Study: VKGL Data-share Consensus. Not counted in ClinVar's aggregate classification.

Laboratory of Diagnostic Genome Analysis, Leiden University Medical Center (LUMC)
Classification: Benign. Review status: no assertion criteria provided. Collection method: clinical testing. Allele origin: germline. Affected: yes. Study: VKGL Data-share Consensus. Not counted in ClinVar's aggregate classification.

Literature cited by the submitters: PubMed 20301779 (cited by GeneReviews); NCBI Bookshelf NBK22301 (cited by GeneReviews).